The following is an entry in ClinVar:

ClinVar aggregate classification (germline): Likely benign (1 of 4 stars; one submission).

Conditions:
Juvenile polyposis/hereditary hemorrhagic telangiectasia syndrome (JPHT). Also called: JP/HHT SYNDROME; JUVENILE POLYPOSIS WITH HEREDITARY HEMORRHAGIC TELANGIECTASIA; POLYPOSIS, GENERALIZED JUVENILE, WITH PULMONARY ARTERIOVENOUS MALFORMATION; TELANGIECTASIA, HEREDITARY HEMORRHAGIC, WITH JUVENILE POLYPOSIS COLI; Juvenile Polyposis Syndrome / Hereditary Hemorrhagic Telangiectasia (JPS/HHT). Identifiers: Orphanet 2929, MedGen C1832942, MONDO:0008278, OMIM 175050.

Submission:

Myriad Genetics, Inc.
Classification: Likely benign for Juvenile polyposis/hereditary hemorrhagic telangiectasia syndrome. Last evaluated: 2025-03-21. Review status: criteria provided, single submitter. Criteria: Myriad Autosomal Dominant, Autosomal Recessive and X-Linked Classification Criteria (2023). Collection method: clinical testing. Allele origin: unknown.
Comment: This variant is considered likely benign. This variant is intronic and is not expected to impact mRNA splicing.

NM_005359.6(SMAD4):c.1309-8del

Gene: SMAD4 (SMAD family member 4; plus strand). Cytogenetic location: 18q21.2.
Variant type: Deletion.
Coding change: c.1309-8del on transcript NM_005359.6 (MANE Select); 8 bases into the intron before coding-DNA position 1309, one base deleted (C; older notation c.1309-8delC).
Molecular consequence: intron variant.
Genome position (GRCh38, 1-based): chr18:51,076,630, C deleted. VCF-style (leftmost placement, unchanged base first): chr18-51076629-TC-T. GRCh37 (hg19) VCF-style: chr18-48602999-TC-T.
Other names: c.1309-8del (NM_001407042.1, NM_001407041.1).
Identifiers: ClinVar variation 3904722 (VCV003904722.1).